The following is an entry in ClinVar:

ClinVar aggregate classification (germline): Pathogenic (1 of 4 stars; one submission).

Conditions:
Usher syndrome type 1C. Also called: USHER SYNDROME, TYPE I, ACADIAN VARIETY. Identifiers: Orphanet 231169, Orphanet 886, MedGen C1848604, MONDO:0010171, OMIM 276904.

Submission:

Myriad Genetics, Inc.
Classification: Pathogenic for Usher syndrome type 1C. Last evaluated: 2025-07-29. Review status: criteria provided, single submitter. Criteria: Myriad Autosomal Dominant, Autosomal Recessive and X-Linked Classification Criteria (2023). Collection method: clinical testing. Allele origin: unknown.
Comment: NM_005709.3(USH1C):c.324delT(F108Lfs*23) is expected to be pathogenic in the context of USH1C-related disorders. This variant is predicted to lead to an abnormal or absent protein product due to the creation of a premature termination codon in USH1C, a gene where loss-of-function variants are known to be pathogenic. Please note: this variant was assessed in the context of healthy population screening.

NM_153676.4(USH1C):c.324del (p.Phe108fs)

Gene: USH1C (USH1 protein network component harmonin; minus strand). Cytogenetic location: 11p15.1.
Variant type: Deletion.
Coding change: c.324del on transcript NM_153676.4 (MANE Select); coding-DNA position 324, one base deleted (T; older notation c.324delT).
Protein change: p.Phe108fs; shifts the reading frame from phenylalanine 108.
Molecular consequence: frameshift variant. On other transcripts: non-coding transcript variant (1).
Genome position (GRCh38, 1-based): chr11:17,531,217, A deleted on the plus strand (T on the coding strand, the reverse complement: USH1C is on the minus strand); the first of 3 consecutive A bases (chr11:17,531,217-17,531,219); deleting any one gives the same sequence. VCF-style (leftmost placement, unchanged base first): chr11-17531216-CA-C. GRCh37 (hg19) VCF-style: chr11-17552763-CA-C.
Other names: c.324del, p.Phe108fs (NM_001297764.2, NM_001440680.1, NM_001440681.1 and 5 more transcripts); c.357del, p.Phe119fs (NM_001440679.1, NM_001440684.1, NM_001440686.1); short protein forms F108fs, F119fs.
Identifiers: ClinVar variation 5014792 (VCV005014792.1).